The following is an entry in ClinVar:

NM_181303.2(NLGN3):c.1925C>T (p.Ser642Phe)

Gene: NLGN3 (neuroligin 3; plus strand). Cytogenetic location: Xq13.1.
Variant type: single nucleotide variant.
Coding change: c.1925C>T on transcript NM_181303.2 (MANE Select); coding-DNA position 1925, C replaced by T.
Protein change: p.Ser642Phe; replaces serine 642 with phenylalanine.
Molecular consequence: missense variant.
Genome position (GRCh38, 1-based): chrX:71,169,475, C>T. VCF-style: chrX-71169475-C-T. GRCh37 (hg19) VCF-style: chrX-70389325-C-T.
Other names: c.1805C>T, p.Ser602Phe (NM_001166660.2); c.1514C>T, p.Ser505Phe (NM_001321276.2, NM_001438298.1); c.1574C>T, p.Ser525Phe (NM_001437941.1, NM_001438296.1); c.1865C>T, p.Ser622Phe (NM_018977.4); short protein forms S505F, S525F, S602F, S622F, S642F.
Identifiers: ClinVar variation 4689835 (VCV004689835.1).
Genomic context (GRCh38, chrX:71,169,475, plus strand): 5'-CCTTTTGGAAACATCTGGTGCCCCACCTATACAACCTGCATGACATGTTCCACTATACGT[C>T]CACCACCACCAAAGTGCCGCCTCCGGATACCACCCACAGCTCCCACATCACCCGCAGGCC-3'
Protein context (NP_851820.1, residues 632-652): YNLHDMFHYT[Ser642Phe]TTTKVPPPDT

ClinVar aggregate classification (germline): Uncertain significance (1 of 4 stars; one submission).

Submission:

GeneDx
Classification: Uncertain significance. Last evaluated: 2025-08-02. Review status: criteria provided, single submitter. Criteria: GeneDx Variant Classification Process June 2021. Collection method: clinical testing. Allele origin: germline. Affected: yes.
Comment: Not observed at significant frequency in large population cohorts (gnomAD); In silico analysis supports that this missense variant has a deleterious effect on protein structure/function; Has not been previously published as pathogenic or benign to our knowledge